The following is an entry in ClinVar:

NM_001291746.2(REL):c.303-3T>C

Gene: REL (REL proto-oncogene, NF-kB subunit; plus strand). Cytogenetic location: 2p16.1.
Variant type: single nucleotide variant.
Coding change: c.303-3T>C on transcript NM_001291746.2 (MANE Select); 3 bases into the intron before coding-DNA position 303, T replaced by C.
Molecular consequence: intron variant.
Genome position (GRCh38, 1-based): chr2:60,900,989, T>C. VCF-style: chr2-60900989-T-C. GRCh37 (hg19) VCF-style: chr2-61128124-T-C.
Other names: c.303-3T>C (NM_002908.4).
Identifiers: ClinVar variation 1985090 (VCV001985090.1), dbSNP rs1462627920, ClinGen allele CA533175599.
Genomic context (GRCh38, chr2:60,900,989, plus strand): 5'-TTGATTTTTGCAATATTCCTTGTGTTTATAATGCAGTTTTGAATATTGTTTTTTTCCTGC[T>C]AGTTTCCAAAATTTGGGTATTCGATGTGTGAAGAAAAAAGAAGTAAAAGAAGCTATTATT-3'

ClinVar aggregate classification (germline): Uncertain significance (1 of 4 stars; one submission).

Allele frequency attached by ClinVar (database versions not stated): TOPMed 0.00001.

Submission:

Labcorp Genetics (formerly Invitae), Labcorp
Classification: Uncertain significance. Last evaluated: 2022-09-07. Review status: criteria provided, single submitter. Criteria: Invitae Variant Classification Sherloc (09022015). Collection method: clinical testing. Allele origin: germline.
Comment: This sequence change falls in intron 3 of the REL gene. It does not directly change the encoded amino acid sequence of the REL protein. It affects a nucleotide within the consensus splice site. This variant is present in population databases (no rsID available, gnomAD 0.006%). This variant has not been reported in the literature in individuals affected with REL-related conditions. Variants that disrupt the consensus splice site are a relatively common cause of aberrant splicing (PMID: 17576681, 9536098). Algorithms developed to predict the effect of sequence changes on RNA splicing suggest that this variant is not likely to affect RNA splicing. In summary, the available evidence is currently insufficient to determine the role of this variant in disease. Therefore, it has been classified as a Variant of Uncertain Significance.

Literature cited by the submitters: PubMed 17576681; PubMed 9536098.